The following is an entry in ClinVar:

NM_000255.4(MMUT):c.-34_-33insA

Gene: MMUT (methylmalonyl-CoA mutase; minus strand). Cytogenetic location: 6p12.3.
Variant type: Insertion.
Coding change: c.-34_-33insA on transcript NM_000255.4 (MANE Select); 34 bases upstream of the start codon through 33 bases upstream of the start codon, A inserted.
Molecular consequence: 5 prime UTR variant.
Genome position: GRCh38 VCF-style: chr6-49459499-A-AT. GRCh37 (hg19) VCF-style: chr6-49427212-A-AT.
Other names: KC594083.1.
Identifiers: ClinVar variation 100699 (VCV000100699.1), dbSNP rs483352797, ClinGen allele CA235512.

ClinVar aggregate classification (germline): not provided (0 of 4 stars; one submission).

Submission:

Medical Genetics Unit, Ain Shams University Pediatrics Hospital
No classification provided. Review status: no classification provided. Collection method: not provided. Allele origin: not provided.
Comment: Methylmalonic aciduria